The following is an entry in ClinVar:

ClinVar aggregate classification (germline): Uncertain significance (1 of 4 stars; one submission).

Submission:

GeneDx
Classification: Uncertain significance. Last evaluated: 2022-04-08. Review status: criteria provided, single submitter. Criteria: GeneDx Variant Classification Process June 2021. Collection method: clinical testing. Allele origin: germline. Affected: yes.
Comment: Not observed at significant frequency in large population cohorts (gnomAD); In silico analysis supports a deleterious effect on protein structure/function; Has not been previously published as pathogenic or benign to our knowledge

NM_001170535.3(ATAD3A):c.601_604delinsGGGA (p.Arg201_Glu202delinsGlyLys)

Gene: ATAD3A (ATPase family AAA domain containing 3A; plus strand). Cytogenetic location: 1p36.33.
Variant type: Indel.
Coding change: c.601_604delinsGGGA on transcript NM_001170535.3 (MANE Select); coding-DNA positions 601 to 604, CGGG replaced by GGGA.
Protein change: p.Arg201_Glu202delinsGlyLys.
Molecular consequence: missense variant.
Genome position (GRCh38, 1-based): chr1:1,520,227-1,520,230, CGGG replaced by GGGA. VCF-style: chr1-1520227-CGGG-GGGA. GRCh37 (hg19) VCF-style: chr1-1455607-CGGG-GGGA.
Other names: c.364_367delinsGGGA, p.Arg122_Glu123delinsGlyLys (NM_001170536.3); c.745_748delinsGGGA, p.Arg249_Glu250delinsGlyLys (NM_018188.5).
Identifiers: ClinVar variation 1708659 (VCV001708659.2), dbSNP rs2524157061, ClinGen allele CA2580060433.
Genomic context (GRCh38, chr1:1,520,227, plus strand): 5'-CGGCACAAGAATGAGATGCTGCGAGTGGAGGCCGAGGCCCGGGCGCGCGCCAAGGCCGAG[CGGG>GGGA]AGAATGCAGACATCATCCGCGAGCAGATCCGCCTGAAGGCGGCCGAGCACCGTCAGACCG-3'